The following is an entry in ClinVar:

NC_000011.10:g.(?_819709)_(824872_?)dup

Gene: PNPLA2 (patatin like domain 2, triacylglycerol lipase; plus strand). Cytogenetic location: 11p15.5.
Variant type: Duplication.
Identifiers: ClinVar variation 831833 (VCV000831833.2).

ClinVar aggregate classification (germline): Uncertain significance (1 of 4 stars; one submission).

Conditions:
Neutral lipid storage myopathy (NLSDM). Also called: NEUTRAL LIPID STORAGE DISEASE WITHOUT ICHTHYOSIS. Identifiers: Orphanet 98908, MedGen C1853136, MONDO:0012545, OMIM 610717.

Submission:

Labcorp Genetics (formerly Invitae), Labcorp
Classification: Uncertain significance for Neutral lipid storage disease with myopathy. Last evaluated: 2019-03-20. Review status: criteria provided, single submitter. Criteria: Invitae Variant Classification Sherloc (09022015). Collection method: clinical testing. Allele origin: germline.
Comment: This variant results in a copy number gain of the genomic region encompassing the full coding sequence of the PNPLA2 gene. The boundaries of this event are unknown as they extend beyond the assayed region for this gene and therefore may encompass additional genes. As the precise location of this event is unknown, it may be in tandem or it may be located elsewhere in the genome. This variant has not been reported in the literature in individuals with PNPLA2-related conditions. Experimental studies and prediction algorithms are not available for this variant, and the functional significance of the affected amino acid(s) is currently unknown. In summary, the available evidence is currently insufficient to determine the role of this variant in disease. Therefore, it has been classified as a Variant of Uncertain Significance.